The following is an entry in ClinVar:

ClinVar aggregate classification (germline): Pathogenic (1 of 4 stars; one submission).

Allele frequency attached by ClinVar (database versions not stated): gnomAD exomes below 0.00001.

Submission:

Labcorp Genetics (formerly Invitae), Labcorp
Classification: Pathogenic. Last evaluated: 2023-01-08. Review status: criteria provided, single submitter. Criteria: Invitae Variant Classification Sherloc (09022015). Collection method: clinical testing. Allele origin: germline.
Comment: For these reasons, this variant has been classified as Pathogenic. This variant disrupts a region of the AAAS protein in which other variant(s) (p.Arg478*) have been determined to be pathogenic (PMID: 11062474, 14646395, 29874194, 30381913). This suggests that this is a clinically significant region of the protein, and that variants that disrupt it are likely to be disease-causing. This variant has not been reported in the literature in individuals affected with AAAS-related conditions. This variant is not present in population databases (gnomAD no frequency). This sequence change creates a premature translational stop signal (p.Leu441Alafs*55) in the AAAS gene. While this is not anticipated to result in nonsense mediated decay, it is expected to disrupt the last 106 amino acid(s) of the AAAS protein.

Literature cited by the submitters: PubMed 11062474; PubMed 14646395; PubMed 29874194; PubMed 30381913.

NM_015665.6(AAAS):c.1320dup (p.Leu441fs)

Gene: AAAS (aladin WD repeat nucleoporin; minus strand). Cytogenetic location: 12q13.13.
Variant type: Duplication.
Coding change: c.1320dup on transcript NM_015665.6 (MANE Select); coding-DNA position 1320, one base duplicated (G; older notation c.1320dupG).
Protein change: p.Leu441fs; shifts the reading frame from leucine 441.
Molecular consequence: frameshift variant.
Genome position (GRCh38, 1-based): chr12:53,308,063, C duplicated on the plus strand (G on the coding strand, the reverse complement: AAAS is on the minus strand). VCF-style (leftmost placement, unchanged base first): chr12-53308062-G-GC. GRCh37 (hg19) VCF-style: chr12-53701846-G-GC.
Other names: c.1221dup, p.Leu408fs (NM_001173466.2); short protein forms L441fs, L408fs.
Identifiers: ClinVar variation 2827128 (VCV002827128.3), dbSNP rs2498602741, ClinGen allele CA2619037285.
Genomic context (GRCh38, chr12:53,308,062, plus strand): 5'-GCAGGAAGGCTGGTGAGAAGTCCAGACCTAAGGGCCCACATGGCACTTACCAGGGAAGGA[G>GC]CTCAAACACAGGGCTGTTTCGAGTGCGAAAAAGGAGGATGACTGGTTTACCATCCTGTAC-3'